The following is an entry in ClinVar:

NM_000179.3(MSH6):c.4049_4050del (p.Val1350fs)

Gene: MSH6 (mutS homolog 6; plus strand). Cytogenetic location: 2p16.3.
Variant type: Deletion.
Coding change: c.4049_4050del on transcript NM_000179.3 (MANE Select); coding-DNA positions 4049 to 4050, 2 bases deleted (TC; older notation c.4049_4050delTC).
Protein change: p.Val1350fs; shifts the reading frame from valine 1350.
Molecular consequence: frameshift variant. On other transcripts: 3 prime UTR variant (5), non-coding transcript variant (5).
Genome position (GRCh38, 1-based): chr2:47,806,826-47,806,827, TC deleted. VCF-style (leftmost placement, unchanged base first): chr2-47806825-GTC-G. GRCh37 (hg19) VCF-style: chr2-48033964-GTC-G.
Other names: c.3659_3660del, p.Val1220fs (NM_001281492.2); c.3143_3144del, p.Val1048fs (NM_001281493.2, NM_001281494.2, NM_001406811.1 and 6 more transcripts); c.4145_4146del, p.Val1382fs (NM_001406795.1); c.4049_4050del, p.Val1350fs (NM_001406796.1, NM_001406809.1); c.3752_3753del, p.Val1251fs (NM_001406797.1, NM_001406805.1, NM_001406818.1 and 8 more transcripts); c.3875_3876del, p.Val1292fs (NM_001406798.1); c.3524_3525del, p.Val1175fs (NM_001406799.1, NM_001406806.1, NM_001406807.1); c.*70_*71del (NM_001406800.1); and 9 more; short protein forms V1048fs, V1251fs, V1292fs, V1324fs, V1350fs, V277fs, V299fs, V1175fs.
Identifiers: ClinVar variation 2453204 (VCV002453204.2), dbSNP rs2530896044, ClinGen allele CA2580067598.

ClinVar aggregate classification (germline): Uncertain significance (1 of 4 stars; one submission).

Conditions:
Hereditary cancer-predisposing syndrome. Also called: Neoplastic Syndromes, Hereditary; Tumor predisposition; Hereditary neoplastic syndrome; Hereditary Cancer Syndrome. Identifiers: Orphanet 140162, MedGen C0027672, MeSH D009386, MONDO:0015356.

Submission:

Ambry Genetics
Classification: Uncertain significance for Hereditary cancer-predisposing syndrome. Last evaluated: 2023-03-03. Review status: criteria provided, single submitter. Criteria: Ambry Variant Classification Scheme 2023. Collection method: clinical testing. Allele origin: germline.
Comment: The c.4049_4050delTC variant, located in coding exon 10 of the MSH6 gene, results from a deletion of two nucleotides at nucleotide positions 4049 to 4050, causing a translational frameshift with a predicted alternate stop codon (p.V1350Afs*2). This alteration occurs at the 3' terminus of theMSH6 gene, is not expected to trigger nonsense-mediated mRNAdecay, and only impacts the last 12 amino acids of the protein. The exact functional effect of this alteration is unknown. This variant is considered to be rare based on population cohorts in the Genome Aggregation Database (gnomAD). Since supporting evidence is limited at this time, the clinical significance of this alteration remains unclear.